The following is an entry in ClinVar:

ClinVar aggregate classification (germline): Uncertain significance. Review status: criteria provided, single submitter (1 of 4 stars). 2 submissions from 2 submitters: Uncertain significance (1). 1 of the submissions does not count toward it. Last evaluated 2025-10-14.

Conditions:
FDFT1-related disorder. Also called: FDFT1-related condition.

gnomAD v4.1: 30 of 1,609,940 alleles (0.0019%); highest among the groups gnomAD compares: Non-Finnish European, 0.0011%; no homozygotes.

Submissions (2):

PreventionGenetics, part of Exact Sciences
Classification: Uncertain significance for FDFT1-related condition. Last evaluated: 2025-10-14. Review status: criteria provided, single submitter. Criteria: ACMG Guidelines, 2015. Collection method: clinical testing. Allele origin: germline.
Comment: The FDFT1 c.790A>C variant is predicted to result in the amino acid substitution p.Asn264His. To our knowledge, this variant has not been reported in the literature. This variant is reported in 0.040% of alleles in individuals of European (Finnish) descent in gnomAD. At this time, the clinical significance of this variant is uncertain due to the absence of conclusive functional and genetic evidence.

Diagnostics Centre, Carl Von Ossietzky University Oldenburg
Classification: Uncertain significance. Last evaluated: 2025-08-07. Review status: no assertion criteria provided. Collection method: clinical testing. Allele origin: germline. Affected: yes. Observed: 1 variant allele. Not counted in ClinVar's aggregate classification.
Comment: The variant FDFT1:c.613A>C p.(Asn205His) located in the exon 5 of the FDFT1 gene results from a adenine-to-cytosine substitution at nucleotide position c.613. The asparagine residue at protein position 205 is replaced by a histidine. In silico tools predict a moderate deleterious effect in the protein structure and function (REVEL = 0.8). The variant has not yet been described in ClinVar or in any publications known to us. The variant is classified as rare in the general population (MAF 2 * e-5 in gnomAD). In summary, this variant is classified as a variant of uncertain significance.

NM_004462.5(FDFT1):c.613A>C (p.Asn205His)

Gene: FDFT1 (farnesyl-diphosphate farnesyltransferase 1). Cytogenetic location: 8p23.1.
Variant type: single nucleotide variant.
Coding change: c.613A>C on transcript NM_004462.5 (MANE Select); coding-DNA position 613, A replaced by C.
Protein change: p.Asn205His; replaces asparagine 205 with histidine.
Molecular consequence: missense variant.
Genome position (GRCh38, 1-based): chr8:11,826,126, A>C. VCF-style: chr8-11826126-A-C. GRCh37 (hg19) VCF-style: chr8-11683635-A-C.
Other names: c.790A>C (NM_001287750.1); c.613A>C, p.Asn205His (NM_001287742.2, NM_001287743.2); c.421A>C, p.Asn141His (NM_001287744.2, NM_001287745.2, NM_001287747.2 and 2 more transcripts); c.790A>C, p.Asn264His (NM_001287750.2); c.358A>C, p.Asn120His (NM_001287751.2); c.112A>C, p.Asn38His (NM_001287756.2); short protein forms N120H, N141H, N205H, N264H, N38H.
Identifiers: ClinVar variation 4845266 (VCV004845266.2), dbSNP rs200601839.